The following is an entry in ClinVar:

ClinVar aggregate classification (germline): Uncertain significance. Review status: criteria provided, multiple submitters, no conflicts (2 of 4 stars). 2 submissions from 2 submitters: Uncertain significance (2). Last evaluated 2025-10-07.

Conditions:
Inborn genetic diseases. Identifiers: MedGen C0950123, MeSH D030342.

Allele frequency attached by ClinVar (database versions not stated): 1000 Genomes Project 30x 0.00016; 1000 Genomes Project 0.00020; gnomAD 0.00023 and 0.00025; TOPMed 0.00026; ESP Exome Variant Server 0.00031.
gnomAD v4.1: 65 of 1,608,394 alleles (0.004%); highest among the groups gnomAD compares: African/African-American, 0.064%; no homozygotes.

Submissions (2):

Labcorp Genetics (formerly Invitae), Labcorp
Classification: Uncertain significance. Last evaluated: 2025-10-07. Review status: criteria provided, single submitter. Criteria: Invitae Variant Classification Sherloc (09022015). Collection method: clinical testing. Allele origin: germline.
Comment: This sequence change replaces proline, which is neutral and non-polar, with leucine, which is neutral and non-polar, at codon 857 of the UNC45A protein (p.Pro857Leu). This variant is present in population databases (rs151115444, gnomAD 0.09%). This variant has not been reported in the literature in individuals affected with UNC45A-related conditions. ClinVar contains an entry for this variant (Variation ID: 1464622). Invitae Evidence Modeling of protein sequence and biophysical properties (such as structural, functional, and spatial information, amino acid conservation, physicochemical variation, residue mobility, and thermodynamic stability) indicates that this missense variant is not expected to disrupt UNC45A protein function with a negative predictive value of 80%. In summary, the available evidence is currently insufficient to determine the role of this variant in disease. Therefore, it has been classified as a Variant of Uncertain Significance.

Ambry Genetics
Classification: Uncertain significance for Inborn genetic diseases. Last evaluated: 2025-02-07. Review status: criteria provided, single submitter. Criteria: Ambry Variant Classification Scheme 2023. Collection method: clinical testing. Allele origin: germline.

NM_018671.5(UNC45A):c.2570C>T (p.Pro857Leu)

Genes: RCCD1-AS1 (RCCD1 and UNC45A antisense RNA 1; minus strand), UNC45A (unc-45 myosin chaperone A; plus strand). Cytogenetic location: 15q26.1.
Variant type: single nucleotide variant.
Coding change: c.2570C>T on transcript NM_018671.5 (MANE Select); coding-DNA position 2570, C replaced by T.
Protein change: p.Pro857Leu; replaces proline 857 with leucine.
Molecular consequence: missense variant.
Genome position (GRCh38, 1-based): chr15:90,953,303, C>T. VCF-style: chr15-90953303-C-T. GRCh37 (hg19) VCF-style: chr15-91496533-C-T.
Other names: c.2525C>T, p.Pro842Leu (NM_001039675.2, NM_001323621.2); c.2570C>T, p.Pro857Leu (NM_001323619.1); c.2135C>T, p.Pro712Leu (NM_001323620.2); c.2570C>T (NM_018671.3); short protein forms P712L, P842L, P857L.
Identifiers: ClinVar variation 1464622 (VCV001464622.8), dbSNP rs151115444, ClinGen allele CA7743337.